The following is an entry in ClinVar:

NM_000203.5(IDUA):c.502G>C (p.Gly168Arg)

Gene: IDUA (alpha-L-iduronidase; plus strand). Cytogenetic location: 4p16.3.
Variant type: single nucleotide variant.
Coding change: c.502G>C on transcript NM_000203.5 (MANE Select); coding-DNA position 502, G replaced by C.
Protein change: p.Gly168Arg; replaces glycine 168 with arginine.
Molecular consequence: missense variant. On other transcripts: non-coding transcript variant (1).
Genome position (GRCh38, 1-based): chr4:1,001,476, G>C. VCF-style: chr4-1001476-G-C. GRCh37 (hg19) VCF-style: chr4-995264-G-C.
Other names: c.106G>C, p.Gly36Arg (NM_001363576.1); short protein forms G36R, G168R.
Identifiers: ClinVar variation 1414833 (VCV001414833.7), dbSNP rs753308650, ClinGen allele CA2801969.

ClinVar aggregate classification (germline): Uncertain significance. Review status: criteria provided, multiple submitters, no conflicts (2 of 4 stars). 3 submissions from 3 submitters: Uncertain significance (3). Last evaluated 2025-06-20.

Conditions:
Mucopolysaccharidosis type 1. Also called: IDUA deficiency; MPS I; Mucopolysaccharidosis Type I. Identifiers: Orphanet 579, MedGen C0023786, MONDO:0001586.

Allele frequency attached by ClinVar (database versions not stated): gnomAD 0.00001; ExAC 0.00004.
gnomAD v4.1: 31 of 1,612,906 alleles (0.0019%); highest among the groups gnomAD compares: South Asian, 0.031%; no homozygotes.

Submissions (3):

Revvity Omics, Revvity
Classification: Uncertain significance. Last evaluated: 2025-06-20. Review status: criteria provided, single submitter. Criteria: ACMG Guidelines, 2015. Collection method: clinical testing. Allele origin: germline.

Labcorp Genetics (formerly Invitae), Labcorp
Classification: Uncertain significance for Mucopolysaccharidosis type 1. Last evaluated: 2025-04-10. Review status: criteria provided, single submitter. Criteria: Invitae Variant Classification Sherloc (09022015). Collection method: clinical testing. Allele origin: germline.
Comment: This sequence change replaces glycine, which is neutral and non-polar, with arginine, which is basic and polar, at codon 168 of the IDUA protein (p.Gly168Arg). This variant is present in population databases (rs753308650, gnomAD 0.03%). This variant has not been reported in the literature in individuals affected with IDUA-related conditions. ClinVar contains an entry for this variant (Variation ID: 1414833). Invitae Evidence Modeling of protein sequence and biophysical properties (such as structural, functional, and spatial information, amino acid conservation, physicochemical variation, residue mobility, and thermodynamic stability) indicates that this missense variant is expected to disrupt IDUA protein function with a positive predictive value of 95%. In summary, the available evidence is currently insufficient to determine the role of this variant in disease. Therefore, it has been classified as a Variant of Uncertain Significance.

Women's Health and Genetics/Laboratory Corporation of America, LabCorp
Classification: Uncertain significance. Last evaluated: 2022-06-29. Review status: criteria provided, single submitter. Criteria: LabCorp Variant Classification Summary - May 2015. Collection method: clinical testing. Allele origin: germline.
Comment: Variant summary: IDUA c.502G>C (p.Gly168Arg) results in a non-conservative amino acid change in the encoded protein sequence. Five of five in-silico tools predict a damaging effect of the variant on protein function. The variant allele was found at a frequency of 4e-05 in 250868 control chromosomes. This frequency is not significantly higher than expected for a pathogenic variant in IDUA causing Mucopolysaccharidosis Type 1 (4e-05 vs 0.0027), allowing no conclusion about variant significance. To our knowledge, no occurrence of c.502G>C in individuals affected with Mucopolysaccharidosis Type 1 and no experimental evidence demonstrating its impact on protein function have been reported. One clinical diagnostic laboratory has submitted clinical-significance assessments for this variant to ClinVar after 2014 without evidence for independent evaluation. One laboratory classified the variant as uncertain significance. Based on the evidence outlined above, the variant was classified as uncertain significance.